The following is an entry in ClinVar:

NM_198271.5(LMOD3):c.1370C>T (p.Pro457Leu)

Gene: LMOD3 (leiomodin 3; minus strand). Cytogenetic location: 3p14.1.
Variant type: single nucleotide variant.
Coding change: c.1370C>T on transcript NM_198271.5 (MANE Select); coding-DNA position 1370, C replaced by T.
Protein change: p.Pro457Leu; replaces proline 457 with leucine.
Molecular consequence: missense variant.
Genome position (GRCh38, 1-based): chr3:69,118,985, G>A on the plus strand (C>T on the coding strand, the complement: LMOD3 is on the minus strand). VCF-style: chr3-69118985-G-A. GRCh37 (hg19) VCF-style: chr3-69168136-G-A.
Other names: c.1370C>T, p.Pro457Leu (NM_001304418.3); short protein forms P457L.
Identifiers: ClinVar variation 1365715 (VCV001365715.7), dbSNP rs1323958359, ClinGen allele CA353470932.

ClinVar aggregate classification (germline): Uncertain significance (1 of 4 stars; one submission).

Conditions:
Nemaline myopathy 10 (NEM10). Identifiers: MedGen C4015360, MONDO:0014513, OMIM 616165.

Allele frequency attached by ClinVar (database versions not stated): gnomAD exomes below 0.00001; gnomAD 0.00001.
gnomAD v4.1: 4 of 1,613,242 alleles (0.00025%); highest among the groups gnomAD compares: Admixed American, 0.0017%; no homozygotes.

Submission:

Labcorp Genetics (formerly Invitae), Labcorp
Classification: Uncertain significance for Nemaline myopathy 10. Last evaluated: 2022-08-09. Review status: criteria provided, single submitter. Criteria: Invitae Variant Classification Sherloc (09022015). Collection method: clinical testing. Allele origin: germline.
Comment: In summary, the available evidence is currently insufficient to determine the role of this variant in disease. Therefore, it has been classified as a Variant of Uncertain Significance. Algorithms developed to predict the effect of missense changes on protein structure and function are either unavailable or do not agree on the potential impact of this missense change (SIFT: "Deleterious"; PolyPhen-2: "Benign"; Align-GVGD: "Class C0"). ClinVar contains an entry for this variant (Variation ID: 1365715). This variant has not been reported in the literature in individuals affected with LMOD3-related conditions. This variant is present in population databases (no rsID available, gnomAD 0.007%). This sequence change replaces proline, which is neutral and non-polar, with leucine, which is neutral and non-polar, at codon 457 of the LMOD3 protein (p.Pro457Leu).